The following is an entry in ClinVar:

ClinVar aggregate classification (germline): Uncertain significance (1 of 4 stars; one submission).

Conditions:
Inborn genetic diseases. Identifiers: MedGen C0950123, MeSH D030342.

gnomAD v4.1: 2 of 1,613,430 alleles (0.00012%); highest among the groups gnomAD compares: Middle Eastern, 0.033%; no homozygotes.

Submission:

Ambry Genetics
Classification: Uncertain significance for Inborn genetic diseases. Last evaluated: 2024-08-12. Review status: criteria provided, single submitter. Criteria: Ambry Variant Classification Scheme 2023. Collection method: clinical testing. Allele origin: germline.
Comment: The p.F188C variant (also known as c.563T>G), located in coding exon 5 of the LRRK2 gene, results from a T to G substitution at nucleotide position 563. The phenylalanine at codon 188 is replaced by cysteine, an amino acid with highly dissimilar properties. This amino acid position is conserved. In addition, the in silico prediction for this alteration is inconclusive. Based on the available evidence, the clinical significance of this variant remains unclear.

NM_198578.4(LRRK2):c.563T>G (p.Phe188Cys)

Gene: LRRK2 (leucine rich repeat kinase 2; plus strand). Cytogenetic location: 12q12.
Variant type: single nucleotide variant.
Coding change: c.563T>G on transcript NM_198578.4 (MANE Select); coding-DNA position 563, T replaced by G.
Protein change: p.Phe188Cys; replaces phenylalanine 188 with cysteine.
Molecular consequence: missense variant.
Genome position (GRCh38, 1-based): chr12:40,238,095, T>G. VCF-style: chr12-40238095-T-G. GRCh37 (hg19) VCF-style: chr12-40631897-T-G.
Other names: short protein forms F188C.
Identifiers: ClinVar variation 3540624 (VCV003540624.1).